The following is an entry in ClinVar:

NM_000053.4(ATP7B):c.76A>G (p.Thr26Ala)

Gene: ATP7B (ATPase copper transporting beta; minus strand). Cytogenetic location: 13q14.3.
Variant type: single nucleotide variant.
Coding change: c.76A>G on transcript NM_000053.4 (MANE Select); coding-DNA position 76, A replaced by G.
Protein change: p.Thr26Ala; replaces threonine 26 with alanine.
Molecular consequence: missense variant.
Genome position (GRCh38, 1-based): chr13:51,975,144, T>C on the plus strand (A>G on the coding strand, the complement: ATP7B is on the minus strand). VCF-style: chr13-51975144-T-C. GRCh37 (hg19) VCF-style: chr13-52549280-T-C.
Other names: c.-21A>G (NM_001406517.1, NM_001406518.1, NM_001406530.1 and 4 more transcripts); c.76A>G, p.Thr26Ala (NM_001406519.1, NM_001406520.1, NM_001406521.1 and 30 more transcripts); short protein forms T26A.
Identifiers: ClinVar variation 2144485 (VCV002144485.2), dbSNP rs1334967662, ClinGen allele CA388045383.

ClinVar aggregate classification (germline): Uncertain significance. Review status: criteria provided, multiple submitters, no conflicts (2 of 4 stars). 2 submissions from 2 submitters: Uncertain significance (2). Last evaluated 2023-06-26.

Conditions:
Wilson disease (WND). Also called: Wilson's disease. Identifiers: Orphanet 905, MedGen C0019202, MONDO:0010200, OMIM 277900. Disease mechanism: loss of function.

Allele frequency attached by ClinVar (database versions not stated): gnomAD exomes below 0.00001; TOPMed 0.00001.
gnomAD v4.1: 10 of 1,614,194 alleles (0.00062%); highest among the groups gnomAD compares: African/African-American, 0.008%; no homozygotes.

Submissions (2):

All of Us Research Program, National Institutes of Health
Classification: Uncertain significance for Wilson disease. Last evaluated: 2023-06-26. Review status: criteria provided, single submitter. Criteria: ACMG Guidelines, 2015. Collection method: clinical testing. Allele origin: germline. Inheritance: Autosomal recessive inheritance. Observed: 1 variant allele, 1 heterozygote.
Comment: This missense variant replaces threonine with alanine at codon 26 of the ATP7B protein. Computational prediction suggests that this variant may not impact protein structure and function (internally defined REVEL score threshold <= 0.5, PMID: 27666373). To our knowledge, functional studies have not been reported for this variant. This variant has not been reported in individuals affected with ATP7B-related disorders in the literature. This variant has not been identified in the general population by the Genome Aggregation Database (gnomAD). The available evidence is insufficient to determine the role of this variant in disease conclusively. Therefore, this variant is classified as a Variant of Uncertain Significance.

This study involves interpretation of variants in research participants for the purpose of population health screening. Participant phenotype was not available at the time of variant classification. Additional details can be found in publication PMID: 35346344, PMCID: PMC8962531

Labcorp Genetics (formerly Invitae), Labcorp
Classification: Uncertain significance for Wilson disease. Last evaluated: 2022-08-22. Review status: criteria provided, single submitter. Criteria: Invitae Variant Classification Sherloc (09022015). Collection method: clinical testing. Allele origin: germline.
Comment: This sequence change replaces threonine, which is neutral and polar, with alanine, which is neutral and non-polar, at codon 26 of the ATP7B protein (p.Thr26Ala). This variant is not present in population databases (gnomAD no frequency). This variant has not been reported in the literature in individuals affected with ATP7B-related conditions. Advanced modeling of protein sequence and biophysical properties (such as structural, functional, and spatial information, amino acid conservation, physicochemical variation, residue mobility, and thermodynamic stability) performed at Invitae indicates that this missense variant is not expected to disrupt ATP7B protein function. In summary, the available evidence is currently insufficient to determine the role of this variant in disease. Therefore, it has been classified as a Variant of Uncertain Significance.